The following is an entry in ClinVar:

NM_001453.3(FOXC1):c.1323GTC[1] (p.Ser443del)

Gene: FOXC1 (forkhead box C1; plus strand). Cytogenetic location: 6p25.3.
Variant type: Microsatellite.
Coding change: c.1323GTC[1] on transcript NM_001453.3 (MANE Select); one copy of the 3-base unit GTC starting at c.1323; the reference has two copies in a row; one copy, 3 bases deleted; also written c.1326_1328del.
Protein change: p.Ser443del; deletes serine 443.
Molecular consequence: inframe deletion.
Genome position (GRCh38, 1-based): chr6:1,611,771-1,611,773, GTC deleted; deleting any 3 consecutive bases within chr6:1,611,766-1,611,773 gives the same sequence; the position shown is the placement nearest the transcript's 3' end. VCF-style (leftmost placement, unchanged base first): chr6-1611765-CTCG-C. GRCh37 (hg19) VCF-style: chr6-1612000-CTCG-C.
Other names: c.1326_1328del (NM_001453.2, NM_001453.3); short protein forms S443del.
Identifiers: ClinVar variation 1362485 (VCV001362485.9), dbSNP rs1208223684, ClinGen allele CA821648819.

ClinVar aggregate classification (germline): Uncertain significance. Review status: criteria provided, multiple submitters, no conflicts (2 of 4 stars). 3 submissions from 3 submitters: Uncertain significance (3). Last evaluated 2026-02-23.

Conditions:
Anterior segment dysgenesis 3 (ASGD3). Also called: IRIDOGONIODYSGENESIS ANOMALY, AUTOSOMAL DOMINANT; Glaucoma iridogoniodysplasia, familial. Identifiers: Orphanet 91483, MedGen C5975707, MONDO:0024456, OMIM 601631.
Axenfeld-Rieger syndrome type 3 (RIEG3). Also called: AXENFELD-RIEGER ANOMALY WITH CARDIAC DEFECTS AND/OR SENSORINEURAL HEARING LOSS. Identifiers: Orphanet 782, MedGen C2678503, MONDO:0011233, OMIM 602482.

Submissions (3):

GeneDx
Classification: Uncertain significance. Last evaluated: 2026-02-23. Review status: criteria provided, single submitter. Criteria: GeneDx Variant Classification Process June 2021. Collection method: clinical testing. Allele origin: germline.
Comment: Not observed at significant frequency in large population cohorts (gnomAD); In-frame deletion of 1 amino acid in a non-repeat region; In silico analysis supports a deleterious effect on protein structure/function; Has not been previously published as pathogenic or benign to our knowledge

Fulgent Genetics
Classification: Uncertain significance for Anterior segment dysgenesis 3; Axenfeld-Rieger syndrome type 3. Last evaluated: 2024-02-12. Review status: criteria provided, single submitter. Criteria: ACMG Guidelines, 2015. Collection method: clinical testing. Allele origin: germline.

Labcorp Genetics (formerly Invitae), Labcorp
Classification: Uncertain significance for Axenfeld-Rieger syndrome type 3. Last evaluated: 2023-08-17. Review status: criteria provided, single submitter. Criteria: Invitae Variant Classification Sherloc (09022015). Collection method: clinical testing. Allele origin: germline.
Comment: In summary, the available evidence is currently insufficient to determine the role of this variant in disease. Therefore, it has been classified as a Variant of Uncertain Significance. Experimental studies and prediction algorithms are not available or were not evaluated, and the functional significance of this variant is currently unknown. This variant has not been reported in the literature in individuals affected with FOXC1-related conditions. This variant is not present in population databases (gnomAD no frequency). This variant, c.1326_1328del, results in the deletion of 1 amino acid(s) of the FOXC1 protein (p.Ser443del), but otherwise preserves the integrity of the reading frame.